The following is an entry in ClinVar:

NM_032043.3(BRIP1):c.1216G>C (p.Ala406Pro)

Gene: BRIP1 (BRCA1 interacting DNA helicase 1; minus strand). Cytogenetic location: 17q23.2.
Variant type: single nucleotide variant.
Coding change: c.1216G>C on transcript NM_032043.3 (MANE Select); coding-DNA position 1216, G replaced by C.
Protein change: p.Ala406Pro; replaces alanine 406 with proline.
Molecular consequence: missense variant.
Genome position (GRCh38, 1-based): chr17:61,799,224, C>G on the plus strand (G>C on the coding strand, the complement: BRIP1 is on the minus strand). VCF-style: chr17-61799224-C-G. GRCh37 (hg19) VCF-style: chr17-59876585-C-G.
Other names: short protein forms A406P.
Identifiers: ClinVar variation 1751803 (VCV001751803.2), dbSNP rs1060501747, ClinGen allele CA400483673.

ClinVar aggregate classification (germline): Uncertain significance (1 of 4 stars; one submission).

Conditions:
Hereditary cancer-predisposing syndrome. Also called: Hereditary Cancer Syndrome; Hereditary neoplastic syndrome; Neoplastic Syndromes, Hereditary; Tumor predisposition. Identifiers: Orphanet 140162, MedGen C0027672, MeSH D009386, MONDO:0015356.

Submission:

Ambry Genetics
Classification: Uncertain significance for Hereditary cancer-predisposing syndrome. Last evaluated: 2020-07-02. Review status: criteria provided, single submitter. Criteria: Ambry Variant Classification Scheme 2023. Collection method: clinical testing. Allele origin: germline.
Comment: The p.A406P variant (also known as c.1216G>C), located in coding exon 8 of the BRIP1 gene, results from a G to C substitution at nucleotide position 1216. The alanine at codon 406 is replaced by proline, an amino acid with highly similar properties. This amino acid position is well conserved in available vertebrate species. In addition, the in silico prediction for this alteration is inconclusive. Since supporting evidence is limited at this time, the clinical significance of this alteration remains unclear.